The following is an entry in ClinVar:

ClinVar aggregate classification (germline): Pathogenic (1 of 4 stars; one submission).

Submission:

Labcorp Genetics (formerly Invitae), Labcorp
Classification: Pathogenic. Last evaluated: 2022-04-29. Review status: criteria provided, single submitter. Criteria: Invitae Variant Classification Sherloc (09022015). Collection method: clinical testing. Allele origin: germline.
Comment: This sequence change creates a premature translational stop signal (p.Gln1391Hisfs*48) in the MYO15A gene. It is expected to result in an absent or disrupted protein product. Loss-of-function variants in MYO15A are known to be pathogenic (PMID: 17546645). This variant is not present in population databases (gnomAD no frequency). This variant has not been reported in the literature in individuals affected with MYO15A-related conditions. For these reasons, this variant has been classified as Pathogenic.

Literature cited by the submitters: PubMed 17546645.

NM_016239.4(MYO15A):c.4173del (p.Gln1391fs)

Gene: MYO15A (myosin XVA; plus strand). Cytogenetic location: 17p11.2.
Variant type: Deletion.
Coding change: c.4173del on transcript NM_016239.4 (MANE Select); coding-DNA position 4173, one base deleted (G; older notation c.4173delG).
Protein change: p.Gln1391fs; shifts the reading frame from glutamine 1391.
Molecular consequence: frameshift variant.
Genome position (GRCh38, 1-based): chr17:18,131,498, G deleted. VCF-style (leftmost placement, unchanged base first): chr17-18131497-AG-A. GRCh37 (hg19) VCF-style: chr17-18034811-AG-A.
Other names: short protein forms Q1391fs.
Identifiers: ClinVar variation 2131676 (VCV002131676.4), dbSNP rs2545221033, ClinGen allele CA2580092718.
Genomic context (GRCh38, chr17:18,131,497, plus strand): 5'-CACTGAGAGCTGACTGTGCTCCCCACCCCAGGGGCGTGATCTCTGGTGCCATAACCTCCC[AG>A]TACCTGCTTGAGAAATCCAGGATCGTGTTTCAGGTGGGCCACCCCCTCCCAGGCCTCTGT-3'